The following is an entry in ClinVar:

ClinVar aggregate classification (germline): Uncertain significance (1 of 4 stars; one submission).

gnomAD v4.1: 2 of 1,614,006 alleles (0.00012%); highest among the groups gnomAD compares: Non-Finnish European, 0.00017%; no homozygotes.

Submission:

Labcorp Genetics (formerly Invitae), Labcorp
Classification: Uncertain significance. Last evaluated: 2024-03-07. Review status: criteria provided, single submitter. Criteria: Invitae Variant Classification Sherloc (09022015). Collection method: clinical testing. Allele origin: germline.
Comment: This sequence change creates a premature translational stop signal (p.Gln1453*) in the RUSC2 gene. While this is not anticipated to result in nonsense mediated decay, it is expected to disrupt the last 64 amino acid(s) of the RUSC2 protein. This variant is present in population databases (no rsID available, gnomAD 0.0009%). This variant has not been reported in the literature in individuals affected with RUSC2-related conditions. ClinVar contains an entry for this variant (Variation ID: 2115741). Experimental studies and prediction algorithms are not available or were not evaluated, and the functional significance of this variant is currently unknown. In summary, the available evidence is currently insufficient to determine the role of this variant in disease. Therefore, it has been classified as a Variant of Uncertain Significance.

NM_014806.5(RUSC2):c.4357C>T (p.Gln1453Ter)

Gene: RUSC2 (RUN and SH3 domain containing 2; plus strand). Cytogenetic location: 9p13.3.
Variant type: single nucleotide variant.
Coding change: c.4357C>T on transcript NM_014806.5 (MANE Select); coding-DNA position 4357, C replaced by T.
Protein change: p.Gln1453Ter; replaces glutamine 1453 with a stop codon.
Molecular consequence: nonsense. On other transcripts: non-coding transcript variant (1).
Genome position (GRCh38, 1-based): chr9:35,561,188, C>T. VCF-style: chr9-35561188-C-T. GRCh37 (hg19) VCF-style: chr9-35561185-C-T.
Other names: c.4357C>T, p.Gln1453Ter (NM_001135999.2); c.1723C>T, p.Gln575Ter (NM_001330740.2); short protein forms Q1453*, Q575*.
Identifiers: ClinVar variation 2115741 (VCV002115741.4), dbSNP rs1424744792, ClinGen allele CA373357539.